The following is an entry in ClinVar:

ClinVar aggregate classification (germline): Uncertain significance (1 of 4 stars; one submission).

Conditions:
Lymphatic malformation 6 (LMPHM6). Also called: GENERALIZED LYMPHATIC DYSPLASIA OF FOTIOU; Lymphedema, hereditary, III; PIEZO1-related generalized lymphatic dysplasia with non-immune hydrops fetalis. Identifiers: Orphanet 568062, MedGen C4225184, MONDO:0014797, OMIM 616843.

gnomAD v4.1: 2 of 1,549,148 alleles (0.00013%); highest among the groups gnomAD compares: Non-Finnish European, 0.00017%; no homozygotes.

Submission:

Department of Molecular Genetics, Istishari Arab Hospital
Classification: Uncertain significance for Lymphatic malformation 6. Last evaluated: 2026-02-16. Review status: criteria provided, single submitter. Criteria: ACMG Guidelines, 2015. Collection method: clinical testing. Allele origin: germline. Inheritance: Autosomal recessive inheritance. Affected: yes.
Comment: The PIEZO1 variant c.4039C>G, p.Leu1347Val creates an amino acid change from Leu to Val at position 1347 in exon 28 (out of 51 exons). The variant is observed at an extremely low frequency in the gnomAD v4.1.0 dataset (total allele frequency: <0.001%), and to the best of our knowledge, it was not previously reported in the literature. It is classified as a variant of uncertain significance according to the recommendations of ACMG/AMP/ClinGen SVI guidelines.

NM_001142864.4(PIEZO1):c.4039C>G (p.Leu1347Val)

Gene: PIEZO1 (piezo type mechanosensitive ion channel component 1 (Er blood group); minus strand). Cytogenetic location: 16q24.3.
Variant type: single nucleotide variant.
Coding change: c.4039C>G on transcript NM_001142864.4 (MANE Select); coding-DNA position 4039, C replaced by G.
Protein change: p.Leu1347Val; replaces leucine 1347 with valine.
Molecular consequence: missense variant.
Genome position (GRCh38, 1-based): chr16:88,725,614, G>C on the plus strand (C>G on the coding strand, the complement: PIEZO1 is on the minus strand). VCF-style: chr16-88725614-G-C. GRCh37 (hg19) VCF-style: chr16-88792022-G-C.
Other names: p.Leu1347Val; short protein forms L1347V.
Identifiers: ClinVar variation 4795878 (VCV004795878.1).